The following is an entry in ClinVar:

NM_001040108.2(MLH3):c.2784A>G (p.Glu928=)

Gene: MLH3 (mutL homolog 3; minus strand). Cytogenetic location: 14q24.3.
Variant type: single nucleotide variant.
Coding change: c.2784A>G on transcript NM_001040108.2 (MANE Select); coding-DNA position 2784, A replaced by G.
Protein change: p.Glu928=; no amino-acid change (glutamic acid 928 retained).
Molecular consequence: synonymous variant.
Genome position (GRCh38, 1-based): chr14:75,046,872, T>C on the plus strand (A>G on the coding strand, the complement: MLH3 is on the minus strand). VCF-style: chr14-75046872-T-C. GRCh37 (hg19) VCF-style: chr14-75513575-T-C.
Other names: c.2784A>G, p.Glu928= (NM_014381.3).
Identifiers: ClinVar variation 1795967 (VCV001795967.5), dbSNP rs139090569, ClinGen allele CA7275641.

ClinVar aggregate classification (germline): Benign/Likely benign. Review status: criteria provided, multiple submitters, no conflicts (2 of 4 stars). 3 submissions from 3 submitters: Benign (1); Likely benign (1). 1 of the submissions does not count toward it. Last evaluated 2026-05-05.

Conditions:
MLH3-related disorder. Also called: MLH3-related condition.
Colorectal cancer, hereditary nonpolyposis, type 7. Identifiers: Orphanet 144, MedGen C1858380, MONDO:0013725, OMIM 614385.

Allele frequency attached by ClinVar (database versions not stated): gnomAD exomes 0.00001; TOPMed below 0.00001; gnomAD 0.00001; ExAC 0.00002; ESP Exome Variant Server 0.00008.
gnomAD v4.1: 5 of 1,613,988 alleles (0.00031%); highest among the groups gnomAD compares: Non-Finnish European, 0.00042%; no homozygotes.

Submissions (3):

Myriad Genetics, Inc.
Classification: Benign for Colorectal cancer, hereditary nonpolyposis, type 7. Last evaluated: 2026-05-05. Review status: criteria provided, single submitter. Criteria: Myriad Autosomal Dominant, Autosomal Recessive and X-Linked Classification Criteria (2023). Collection method: clinical testing. Allele origin: unknown.
Comment: This variant is considered benign. This variant is a silent/synonymous amino acid change and it is not expected to impact splicing.

Ambry Genetics
Classification: Likely benign. Last evaluated: 2022-05-17. Review status: criteria provided, single submitter. Criteria: Ambry Variant Classification Scheme 2023. Collection method: clinical testing. Allele origin: germline.

PreventionGenetics, part of Exact Sciences
Classification: Likely benign for MLH3-related condition. Last evaluated: 2022-11-07. Review status: no assertion criteria provided. Collection method: clinical testing. Allele origin: germline. Not counted in ClinVar's aggregate classification.
Comment: This variant is classified as likely benign based on ACMG/AMP sequence variant interpretation guidelines (Richards et al. 2015 PMID: 25741868, with internal and published modifications).